The following is an entry in ClinVar:

NM_000051.4(ATM):c.2686C>T (p.Leu896Phe)

Gene: ATM (ATM serine/threonine kinase; plus strand). Cytogenetic location: 11q22.3.
Variant type: single nucleotide variant.
Coding change: c.2686C>T on transcript NM_000051.4 (MANE Select); coding-DNA position 2686, C replaced by T.
Protein change: p.Leu896Phe; replaces leucine 896 with phenylalanine.
Molecular consequence: missense variant.
Genome position (GRCh38, 1-based): chr11:108,268,457, C>T. VCF-style: chr11-108268457-C-T. GRCh37 (hg19) VCF-style: chr11-108139184-C-T.
Other names: c.2686C>T, p.Leu896Phe (NM_001351834.2); short protein forms L896F.
Identifiers: ClinVar variation 1172453 (VCV001172453.10), dbSNP rs747696133, ClinGen allele CA382545165.

ClinVar aggregate classification (germline): Uncertain significance. Review status: criteria provided, multiple submitters, no conflicts (2 of 4 stars). 2 submissions from 2 submitters: Uncertain significance (2). Last evaluated 2025-03-24.

Conditions:
Hereditary cancer-predisposing syndrome. Also called: Hereditary neoplastic syndrome; Neoplastic Syndromes, Hereditary; Hereditary Cancer Syndrome; Tumor predisposition. Identifiers: Orphanet 140162, MedGen C0027672, MeSH D009386, MONDO:0015356.
Ataxia-telangiectasia syndrome (AT). Also called: Ataxia telangiectasia (A-T); ATAXIA-TELANGIECTASIA, COMPLEMENTATION GROUP A; ATAXIA-TELANGIECTASIA, FRESNO VARIANT; Ataxia-telangiectasia, complementation group D; AT, COMPLEMENTATION GROUP C; Ataxia-telangiectasia, complementation group E. Identifiers: Orphanet 100, MedGen C0004135, MONDO:0008840, OMIM 208900.

Submissions (2):

Labcorp Genetics (formerly Invitae), Labcorp
Classification: Uncertain significance for Ataxia-telangiectasia syndrome. Last evaluated: 2025-03-24. Review status: criteria provided, single submitter. Criteria: Invitae Variant Classification Sherloc (09022015). Collection method: clinical testing. Allele origin: germline.
Comment: This sequence change replaces leucine, which is neutral and non-polar, with phenylalanine, which is neutral and non-polar, at codon 896 of the ATM protein (p.Leu896Phe). This variant is not present in population databases (gnomAD no frequency). This variant has not been reported in the literature in individuals affected with ATM-related conditions. ClinVar contains an entry for this variant (Variation ID: 1172453). Invitae Evidence Modeling of protein sequence and biophysical properties (such as structural, functional, and spatial information, amino acid conservation, physicochemical variation, residue mobility, and thermodynamic stability) indicates that this missense variant is not expected to disrupt ATM protein function with a negative predictive value of 95%. In summary, the available evidence is currently insufficient to determine the role of this variant in disease. Therefore, it has been classified as a Variant of Uncertain Significance.

Color Diagnostics, LLC DBA Color Health
Classification: Uncertain significance for Hereditary cancer-predisposing syndrome. Last evaluated: 2020-12-07. Review status: criteria provided, single submitter. Criteria: ACMG Guidelines, 2015. Collection method: clinical testing. Allele origin: germline.
Comment: This missense variant replaces leucine with phenylalanine at codon 896 of the ATM protein. Computational prediction suggests that this variant may not impact protein structure and function (internally defined REVEL score threshold <= 0.5, PMID: 27666373). To our knowledge, functional studies have not been reported for this variant. This variant has not been reported in individuals affected with hereditary cancer in the literature. This variant has not been identified in the general population by the Genome Aggregation Database (gnomAD). The available evidence is insufficient to determine the role of this variant in disease conclusively. Therefore, this variant is classified as a Variant of Uncertain Significance.